The following is an entry in ClinVar:

ClinVar aggregate classification (germline): Uncertain significance (1 of 4 stars; one submission).

Conditions:
Myofibrillar myopathy 5. Also called: Filaminopathy (type); FILAMINOPATHY, AUTOSOMAL DOMINANT. Identifiers: Orphanet 171445, MedGen C1836050, MONDO:0012289, OMIM 609524.
Distal myopathy with posterior leg and anterior hand involvement. Also called: WILLIAMS DISTAL MYOPATHY. Identifiers: Orphanet 63273, MedGen C3279722, MONDO:0013550, OMIM 614065.
Hypertrophic cardiomyopathy 26. Also called: Cardiomyopathy, familial hypertrophic, 26. Identifiers: Orphanet 75249, MedGen C4310749, MONDO:0014883, OMIM 617047.
Dilated Cardiomyopathy, Dominant.

Allele frequency attached by ClinVar (database versions not stated): ESP Exome Variant Server 0.00008.

Submission:

Labcorp Genetics (formerly Invitae), Labcorp
Classification: Uncertain significance for Distal myopathy with posterior leg and anterior hand involvement; Myofibrillar myopathy 5; Hypertrophic cardiomyopathy 26. Last evaluated: 2021-09-01. Review status: criteria provided, single submitter. Criteria: Invitae Variant Classification Sherloc (09022015). Collection method: clinical testing. Allele origin: germline.
Comment: This sequence change replaces lysine with glutamic acid at codon 1831 of the FLNC protein (p.Lys1831Glu). The lysine residue is moderately conserved and there is a small physicochemical difference between lysine and glutamic acid. This variant is not present in population databases (ExAC no frequency). This variant has not been reported in the literature in individuals affected with FLNC-related conditions. Algorithms developed to predict the effect of missense changes on protein structure and function (SIFT, PolyPhen-2, Align-GVGD) all suggest that this variant is likely to be tolerated. In summary, the available evidence is currently insufficient to determine the role of this variant in disease. Therefore, it has been classified as a Variant of Uncertain Significance.

NM_001458.5(FLNC):c.5491A>G (p.Lys1831Glu)

Genes: FLNC (filamin C; plus strand), FLNC-AS1 (FLNC antisense RNA 1; minus strand). Cytogenetic location: 7q32.1.
Variant type: single nucleotide variant.
Coding change: c.5491A>G on transcript NM_001458.5 (MANE Select); coding-DNA position 5491, A replaced by G.
Protein change: p.Lys1831Glu; replaces lysine 1831 with glutamic acid.
Molecular consequence: missense variant.
Genome position (GRCh38, 1-based): chr7:128,850,895, A>G. VCF-style: chr7-128850895-A-G. GRCh37 (hg19) VCF-style: chr7-128490949-A-G.
Other names: c.5392A>G, p.Lys1798Glu (NM_001127487.2); short protein forms K1798E, K1831E.
Identifiers: ClinVar variation 1516760 (VCV001516760.5), dbSNP rs374126692, ClinGen allele CA166188212.